The following is an entry in ClinVar:

ClinVar aggregate classification (germline): Uncertain significance (1 of 4 stars; one submission).

Conditions:
Hereditary cancer-predisposing syndrome. Also called: Neoplastic Syndromes, Hereditary; Tumor predisposition; Hereditary neoplastic syndrome; Hereditary Cancer Syndrome. Identifiers: Orphanet 140162, MedGen C0027672, MeSH D009386, MONDO:0015356.

gnomAD v4.1: 1 of 1,614,030 alleles (0.000062%); highest among the groups gnomAD compares: Non-Finnish European, 0.000085%; no homozygotes.

Submission:

Ambry Genetics
Classification: Uncertain significance for Hereditary cancer-predisposing syndrome. Last evaluated: 2025-08-13. Review status: criteria provided, single submitter. Criteria: Ambry Variant Classification Scheme 2023. Collection method: clinical testing. Allele origin: germline.
Comment: The p.P170A variant (also known as c.508C>G), located in coding exon 3 of the MSH6 gene, results from a C to G substitution at nucleotide position 508. The proline at codon 170 is replaced by alanine, an amino acid with highly similar properties. This amino acid position is well conserved in available vertebrate species. In addition, this alteration is predicted to be tolerated by in silico analysis. Since supporting evidence is limited at this time, the clinical significance of this alteration remains unclear.

NM_000179.3(MSH6):c.508C>G (p.Pro170Ala)

Gene: MSH6 (mutS homolog 6; plus strand). Cytogenetic location: 2p16.3.
Variant type: single nucleotide variant.
Coding change: c.508C>G on transcript NM_000179.3 (MANE Select); coding-DNA position 508, C replaced by G.
Protein change: p.Pro170Ala; replaces proline 170 with alanine.
Molecular consequence: missense variant. On other transcripts: 5 prime UTR variant (5), non-coding transcript variant (5), intron variant (8).
Genome position (GRCh38, 1-based): chr2:47,795,944, C>G. VCF-style: chr2-47795944-C-G. GRCh37 (hg19) VCF-style: chr2-48023083-C-G.
Other names: c.430C>G, p.Pro144Ala (NM_001406804.1); c.211C>G, p.Pro71Ala (NM_001406805.1, NM_001406797.1, NM_001406801.1 and 10 more transcripts); c.-18C>G (NM_001406806.1, NM_001406807.1, NM_001406799.1); c.508C>G, p.Pro170Ala (NM_001406809.1, NM_001406808.1, NM_001406796.1 and 5 more transcripts); c.514C>G, p.Pro172Ala (NM_001406813.1); c.-487C>G (NM_001406814.1); c.-395C>G (NM_001281494.2); c.604C>G, p.Pro202Ala (NM_001406795.1, NM_001406802.1); and 3 more; short protein forms P144A, P170A, P172A, P114A, P202A, P71A.
Identifiers: ClinVar variation 2453174 (VCV002453174.3), dbSNP rs878853748, ClinGen allele CA346738660.
Genomic context (GRCh38, chr2:47,795,944, plus strand): 5'-TTCTTTCTAGGTTCAAAATCAAAGGAAGCCCAGAAGGGAGGTCATTTTTACAGTGCAAAG[C>G]CTGAAATACTGAGAGCAATGCAACGTGCAGATGAAGCCTTAAATAAAGACAAGATTAAGA-3'
Protein context (NP_000170.1, residues 160-180): QKGGHFYSAK[Pro170Ala]EILRAMQRAD